The following is an entry in ClinVar:

ClinVar aggregate classification (germline): Uncertain significance. Review status: criteria provided, multiple submitters, no conflicts (2 of 4 stars). 2 submissions from 2 submitters: Uncertain significance (2). Last evaluated 2023-12-11.

Conditions:
Inborn genetic diseases. Identifiers: MedGen C0950123, MeSH D030342.

Allele frequency attached by ClinVar (database versions not stated): gnomAD exomes 0.00001.

Submissions (2):

Ambry Genetics
Classification: Uncertain significance for Inborn genetic diseases. Last evaluated: 2023-12-11. Review status: criteria provided, single submitter. Criteria: Ambry Variant Classification Scheme 2023. Collection method: clinical testing. Allele origin: germline.

Labcorp Genetics (formerly Invitae), Labcorp
Classification: Uncertain significance. Last evaluated: 2022-08-16. Review status: criteria provided, single submitter. Criteria: Invitae Variant Classification Sherloc (09022015). Collection method: clinical testing. Allele origin: germline.
Comment: This sequence change replaces aspartic acid, which is acidic and polar, with asparagine, which is neutral and polar, at codon 207 of the MAK protein (p.Asp207Asn). This variant is present in population databases (no rsID available, gnomAD 0.01%). This variant has not been reported in the literature in individuals affected with MAK-related conditions. ClinVar contains an entry for this variant (Variation ID: 1474657). Advanced modeling of protein sequence and biophysical properties (such as structural, functional, and spatial information, amino acid conservation, physicochemical variation, residue mobility, and thermodynamic stability) performed at Invitae indicates that this missense variant is not expected to disrupt MAK protein function. In summary, the available evidence is currently insufficient to determine the role of this variant in disease. Therefore, it has been classified as a Variant of Uncertain Significance.

NM_001242957.3(MAK):c.619G>A (p.Asp207Asn)

Gene: MAK (male germ cell associated kinase; minus strand). Cytogenetic location: 6p24.2.
Variant type: single nucleotide variant.
Coding change: c.619G>A on transcript NM_001242957.3 (MANE Select); coding-DNA position 619, G replaced by A.
Protein change: p.Asp207Asn; replaces aspartic acid 207 with asparagine.
Molecular consequence: missense variant. On other transcripts: non-coding transcript variant (2).
Genome position (GRCh38, 1-based): chr6:10,803,764, C>T on the plus strand (G>A on the coding strand, the complement: MAK is on the minus strand). VCF-style: chr6-10803764-C-T. GRCh37 (hg19) VCF-style: chr6-10803997-C-T.
Other names: c.619G>A, p.Asp207Asn (NM_001242385.2, NM_005906.6); c.517G>A, p.Asp173Asn (NM_001377262.1); c.619G>A (NM_005906.4); short protein forms D207N, D173N.
Identifiers: ClinVar variation 1474657 (VCV001474657.4), dbSNP rs1376304898, ClinGen allele CA362720449.
Genomic context (GRCh38, chr6:10,803,764, plus strand): 5'-GGACAAGAGTACTTACTTTTTTGGGAGTCCCTAAAACTTGGCAAATTTTAAAGATTTCAT[C>T]GACCTCACTTGTCCCTGGGAAAAGTGGCCTTAACATATAGAGTTCAGCCATGATACTTCC-3'
Protein context (NP_001229886.1, residues 197-217): RPLFPGTSEV[Asp207Asn]EIFKICQVLG